The following is an entry in ClinVar:

ClinVar aggregate classification (germline): Benign/Likely benign. Review status: criteria provided, multiple submitters, no conflicts (2 of 4 stars). 3 submissions from 3 submitters: Benign (1); Likely benign (2). Last evaluated 2025-12-01.

Conditions:
Mitochondrial complex II deficiency, nuclear type 1. Also called: SUCCINATE CoQ REDUCTASE DEFICIENCY. Identifiers: Orphanet 3208, MedGen C5700310, MONDO:0100294, OMIM 252011.
Pheochromocytoma/paraganglioma syndrome 5. Also called: Paragangliomas 5; SDHA-Related Hereditary Paraganglioma-Pheochromocytoma Syndrome. Identifiers: Orphanet 29072, MedGen C3279992, MONDO:0013602, OMIM 614165.
Hereditary cancer-predisposing syndrome. Also called: Neoplastic Syndromes, Hereditary; Hereditary Cancer Syndrome; Hereditary neoplastic syndrome; Tumor predisposition. Identifiers: Orphanet 140162, MedGen C0027672, MeSH D009386, MONDO:0015356.

Allele frequency attached by ClinVar (database versions not stated): gnomAD exomes below 0.00001; gnomAD 0.00001; TOPMed 0.00001.
gnomAD v4.1: 8 of 1,613,884 alleles (0.0005%); highest among the groups gnomAD compares: East Asian, 0.0045%; no homozygotes.

Submissions (3):

Labcorp Genetics (formerly Invitae), Labcorp
Classification: Likely benign for Pheochromocytoma/paraganglioma syndrome 5; Mitochondrial complex II deficiency, nuclear type 1. Last evaluated: 2025-12-01. Review status: criteria provided, single submitter. Criteria: Invitae Variant Classification Sherloc (09022015). Collection method: clinical testing. Allele origin: germline.

Myriad Genetics, Inc.
Classification: Benign for Pheochromocytoma/paraganglioma syndrome 5. Last evaluated: 2025-03-03. Review status: criteria provided, single submitter. Criteria: Myriad Autosomal Dominant, Autosomal Recessive and X-Linked Classification Criteria (2023). Collection method: clinical testing. Allele origin: unknown.
Comment: This variant is considered benign. This variant is a silent/synonymous amino acid change and it is not expected to impact splicing.

Ambry Genetics
Classification: Likely benign for Hereditary cancer-predisposing syndrome. Last evaluated: 2020-02-26. Review status: criteria provided, single submitter. Criteria: Ambry Variant Classification Scheme 2023. Collection method: clinical testing. Allele origin: germline.

NM_004168.4(SDHA):c.831G>A (p.Thr277=)

Gene: SDHA (succinate dehydrogenase complex flavoprotein subunit A; plus strand). Cytogenetic location: 5p15.33.
Variant type: single nucleotide variant.
Coding change: c.831G>A on transcript NM_004168.4 (MANE Select); coding-DNA position 831, G replaced by A.
Protein change: p.Thr277=; no amino-acid change (threonine 277 retained).
Molecular consequence: synonymous variant.
Genome position (GRCh38, 1-based): chr5:230,936, G>A. VCF-style: chr5-230936-G-A. GRCh37 (hg19) VCF-style: chr5-231051-G-A.
Other names: c.687G>A, p.Thr229= (NM_001294332.2); c.831G>A, p.Thr277= (NM_001330758.2).
Identifiers: ClinVar variation 472408 (VCV000472408.15), dbSNP rs1470632146, ClinGen allele CA442691497.
Genomic context (GRCh38, chr5:230,936, plus strand): 5'-AGGCTACGGGCGCACCTACTTCAGCTGCACGTCTGCCCACACCAGCACTGGCGACGGCAC[G>A]GCCATGATCACCAGGGCAGGCCTTCCTTGCCAGGACCTAGAGTTTGTTCAGTTCCACCCT-3'
Protein context (NP_004159.2, residues 267-287): TSAHTSTGDG[Thr277=]AMITRAGLPC